The following is an entry in ClinVar:

NM_014927.5(CNKSR2):c.742-1G>A

Gene: CNKSR2 (connector enhancer of kinase suppressor of Ras 2; plus strand). Cytogenetic location: Xp22.12.
Variant type: single nucleotide variant.
Coding change: c.742-1G>A on transcript NM_014927.5 (MANE Select); the canonical splice acceptor site of the intron before coding-DNA position 742, G replaced by A.
Molecular consequence: splice acceptor variant.
Genome position (GRCh38, 1-based): chrX:21,501,519, G>A. VCF-style: chrX-21501519-G-A. GRCh37 (hg19) VCF-style: chrX-21519637-G-A.
Other names: c.742-1G>A (NM_001168647.3, NM_001330770.2, NM_001330772.2 and 4 more transcripts).
Identifiers: ClinVar variation 3773734 (VCV003773734.2).

ClinVar aggregate classification (germline): Pathogenic (1 of 4 stars; one submission).

Conditions:
Intellectual developmental disorder, X-linked, syndromic, Houge type. Also called: MENTAL RETARDATION, X-LINKED, SYNDROMIC, HOUGE TYPE; Intellectual disability, X-linked, syndromic, Houge type. Identifiers: MedGen C4538788, MONDO:0030909, OMIM 301008.

Submission:

Institute of Human Genetics, University of Leipzig Medical Center
Classification: Pathogenic for Intellectual developmental disorder, X-linked, syndromic, Houge type. Last evaluated: 2025-03-04. Review status: criteria provided, single submitter. Criteria: ACMG Guidelines, 2015. Collection method: clinical testing. Allele origin: unknown. Inheritance: X-linked dominant inheritance. Affected: yes.
Comment: Criteria applied: PVS1,PM2